The following is an entry in ClinVar:

NM_194248.3(OTOF):c.5204G>A (p.Arg1735Gln)

Gene: OTOF (otoferlin; minus strand). Cytogenetic location: 2p23.3.
Variant type: single nucleotide variant.
Coding change: c.5204G>A on transcript NM_194248.3 (MANE Select); coding-DNA position 5204, G replaced by A.
Protein change: p.Arg1735Gln; replaces arginine 1735 with glutamine.
Molecular consequence: missense variant.
Genome position (GRCh38, 1-based): chr2:26,462,170, C>T on the plus strand (G>A on the coding strand, the complement: OTOF is on the minus strand). VCF-style: chr2-26462170-C-T. GRCh37 (hg19) VCF-style: chr2-26685038-C-T.
Other names: c.5204G>A, p.Arg1735Gln (NM_001287489.2); c.2903G>A, p.Arg968Gln (NM_004802.4, NM_194323.3); c.3134G>A, p.Arg1045Gln (NM_194322.3); short protein forms R1045Q, R1735Q, R968Q.
Identifiers: ClinVar variation 4879909 (VCV004879909.2).

ClinVar aggregate classification (germline): Uncertain significance. Review status: criteria provided, single submitter (1 of 4 stars). 2 submissions from 2 submitters: Uncertain significance (1). 1 of the submissions does not count toward it. Last evaluated 2021-02-10.

Conditions:
Autosomal recessive nonsyndromic hearing loss 9. Also called: NEUROSENSORY NONSYNDROMIC RECESSIVE DEAFNESS 9; OTOF-Related Hearing Loss; Deafness, autosomal recessive 9; AUDITORY NEUROPATHY, AUTOSOMAL RECESSIVE, 1, TEMPERATURE-SENSITIVE. Identifiers: Orphanet 90636, MedGen C1832828, MONDO:0010986, OMIM 601071.

gnomAD v4.1: 11 of 1,613,906 alleles (0.00068%); highest among the groups gnomAD compares: South Asian, 0.0044%; no homozygotes.

Submissions (2):

Blueprint Genetics
Classification: Uncertain significance. Last evaluated: 2021-02-10. Review status: criteria provided, single submitter. Criteria: ACMG Guidelines, 2015. Collection method: clinical testing. Allele origin: germline.

Diagnosis and Treatment Center of Genetic Hearing Loss, Eye & ENT Hospital of Fudan University
Classification: Likely pathogenic for Autosomal recessive nonsyndromic hearing loss 9. Last evaluated: 2026-02-04. Review status: no assertion criteria provided. Collection method: clinical testing. Allele origin: germline. Inheritance: Autosomal recessive inheritance. Affected: yes. Not counted in ClinVar's aggregate classification.
Comment: The c.5204G>A (p.Arg1735Gln) missense variant in OTOF has a population frequency of 0.0000119 (PM2_Supporting). It was found in trans with pathogenic c.4091-1G>A (PM3, PMID: 34753855). A likely pathogenic variant at the same codon, c.5203C>T (p.Arg1735Trp), has been reported (PM5_Supporting). The REVEL score is 0.845 (PP3_Moderate).

Literature cited by the submitters: PubMed 34753855 (cited by Diagnosis and Treatment Center of Genetic Hearing Loss, Eye & ENT Hospital of Fudan University).